The following is an entry in ClinVar:

ClinVar aggregate classification (germline): Uncertain significance (1 of 4 stars; one submission).

Allele frequency attached by ClinVar (database versions not stated): gnomAD exomes below 0.00001; gnomAD 0.00001; TOPMed 0.00001.
gnomAD v4.1: 4 of 1,614,122 alleles (0.00025%); highest among the groups gnomAD compares: Non-Finnish European, 0.00034%; no homozygotes.

Submission:

Labcorp Genetics (formerly Invitae), Labcorp
Classification: Uncertain significance. Last evaluated: 2025-07-09. Review status: criteria provided, single submitter. Criteria: Invitae Variant Classification Sherloc (09022015). Collection method: clinical testing. Allele origin: germline.
Comment: This sequence change replaces lysine, which is basic and polar, with glutamic acid, which is acidic and polar, at codon 292 of the HYOU1 protein (p.Lys292Glu). This variant is present in population databases (no rsID available, gnomAD 0.0009%). This variant has not been reported in the literature in individuals affected with HYOU1-related conditions. ClinVar contains an entry for this variant (Variation ID: 2997945). An algorithm developed to predict the effect of missense changes on protein structure and function (PolyPhen-2) suggests that this variant is likely to be disruptive. In summary, the available evidence is currently insufficient to determine the role of this variant in disease. Therefore, it has been classified as a Variant of Uncertain Significance.

NM_006389.5(HYOU1):c.874A>G (p.Lys292Glu)

Gene: HYOU1 (hypoxia up-regulated 1; minus strand). Cytogenetic location: 11q23.3.
Variant type: single nucleotide variant.
Coding change: c.874A>G on transcript NM_006389.5 (MANE Select); coding-DNA position 874, A replaced by G.
Protein change: p.Lys292Glu; replaces lysine 292 with glutamic acid.
Molecular consequence: missense variant.
Genome position (GRCh38, 1-based): chr11:119,052,750, T>C on the plus strand (A>G on the coding strand, the complement: HYOU1 is on the minus strand). VCF-style: chr11-119052750-T-C. GRCh37 (hg19) VCF-style: chr11-118923462-T-C.
Other names: c.874A>G, p.Lys292Glu (NM_001130991.3, NM_001411041.1); short protein forms K292E.
Identifiers: ClinVar variation 2997945 (VCV002997945.3), dbSNP rs1160205564, ClinGen allele CA382944249.